The following is an entry in ClinVar:

ClinVar aggregate classification (germline): Uncertain significance. Review status: criteria provided, multiple submitters, no conflicts (2 of 4 stars). 2 submissions from 2 submitters: Uncertain significance (2). Last evaluated 2025-12-15.

Conditions:
Hereditary cancer-predisposing syndrome. Also called: Neoplastic Syndromes, Hereditary; Tumor predisposition; Hereditary Cancer Syndrome; Hereditary neoplastic syndrome. Identifiers: Orphanet 140162, MedGen C0027672, MeSH D009386, MONDO:0015356.
Mitochondrial complex II deficiency, nuclear type 1. Also called: SUCCINATE CoQ REDUCTASE DEFICIENCY. Identifiers: Orphanet 3208, MedGen C5700310, MONDO:0100294, OMIM 252011.
Pheochromocytoma/paraganglioma syndrome 5. Also called: Paragangliomas 5; SDHA-Related Hereditary Paraganglioma-Pheochromocytoma Syndrome. Identifiers: Orphanet 29072, MedGen C3279992, MONDO:0013602, OMIM 614165.

Submissions (2):

Labcorp Genetics (formerly Invitae), Labcorp
Classification: Uncertain significance for Pheochromocytoma/paraganglioma syndrome 5; Mitochondrial complex II deficiency, nuclear type 1. Last evaluated: 2025-12-15. Review status: criteria provided, single submitter. Criteria: Invitae Variant Classification Sherloc (09022015). Collection method: clinical testing. Allele origin: germline.
Comment: This sequence change replaces glycine, which is neutral and non-polar, with arginine, which is basic and polar, at codon 229 of the SDHA protein (p.Gly229Arg). Information on the frequency of this variant in the gnomAD database is not available, as this variant may be reported differently in the database. This variant has not been reported in the literature in individuals affected with SDHA-related conditions. ClinVar contains an entry for this variant (Variation ID: 2925039). Experimental studies and prediction algorithms are not available or were not evaluated, and the functional significance of this variant is currently unknown. In summary, the available evidence is currently insufficient to determine the role of this variant in disease. Therefore, it has been classified as a Variant of Uncertain Significance.

Ambry Genetics
Classification: Uncertain significance for Hereditary cancer-predisposing syndrome. Last evaluated: 2024-07-08. Review status: criteria provided, single submitter. Criteria: Ambry Variant Classification Scheme 2023. Collection method: clinical testing. Allele origin: germline.
Comment: The c.684_685delTGinsCA variant (also known as p.G229R), located in coding exon 6 of the SDHA gene, results from an in-frame deletion of TG and insertion of CA at nucleotide positions 684 to 685. This results in the substitution of the glycine residue for an arginine residue at codon 229, an amino acid with dissimilar properties. This amino acid position is highly conserved in available vertebrate species. In addition, this alteration is predicted to be deleterious by in silico analysis (Choi Y et al. PLoS ONE. 2012; 7(10):e46688). Based on the available evidence, the clinical significance of this variant remains unclear.

NM_004168.4(SDHA):c.684_685inv (p.Gly229Arg)

Gene: SDHA (succinate dehydrogenase complex flavoprotein subunit A; plus strand). Cytogenetic location: 5p15.33.
Variant type: Inversion.
Coding change: c.684_685inv on transcript NM_004168.4 (MANE Select).
Protein change: p.Gly229Arg; replaces glycine 229 with arginine.
Molecular consequence: missense variant.
Genome position: GRCh38 VCF-style: chr5-228247-TG-CA. GRCh37 (hg19) VCF-style: chr5-228362-TG-CA.
Other names: c.540_541inv, p.Gly181Arg (NM_001294332.2); c.684_685inv, p.Gly229Arg (NM_001330758.2); c.684_685delTGinsCA (NM_004168.2); short protein forms G181R, G229R.
Identifiers: ClinVar variation 2925039 (VCV002925039.4), ClinGen allele CA2740091607.
Genomic context (GRCh38, chr5:228,247, plus strand): 5'-TCTGCGATATGATACCAGCTATTTTGTGGAGTATTTTGCCTTGGATCTCCTGATGGAGAA[TG>CA]GGGAGTGCCGTGGTGTCATCGCACTGTGCATAGAGGACGGGTCCATCCATCGCATAAGAG-3'
Protein context (NP_004159.2, residues 219-239): YFALDLLMEN[Gly229Arg]ECRGVIALCI